The following is an entry in ClinVar:

NM_001303256.3(MORC2):c.2813A>G (p.Asn938Ser)

Gene: MORC2 (MORC family CW-type zinc finger 2; minus strand). Cytogenetic location: 22q12.2.
Variant type: single nucleotide variant.
Coding change: c.2813A>G on transcript NM_001303256.3 (MANE Select); coding-DNA position 2813, A replaced by G.
Protein change: p.Asn938Ser; replaces asparagine 938 with serine.
Molecular consequence: missense variant.
Genome position (GRCh38, 1-based): chr22:30,932,387, T>C on the plus strand (A>G on the coding strand, the complement: MORC2 is on the minus strand). VCF-style: chr22-30932387-T-C. GRCh37 (hg19) VCF-style: chr22-31328374-T-C.
Other names: c.2813A>G, p.Asn938Ser (NM_001303257.2); c.2627A>G, p.Asn876Ser (NM_014941.3); short protein forms N876S, N938S.
Identifiers: ClinVar variation 1379838 (VCV001379838.8), dbSNP rs1349107983, ClinGen allele CA411231275.

ClinVar aggregate classification (germline): Uncertain significance (1 of 4 stars; one submission).

Conditions:
Charcot-Marie-Tooth disease axonal type 2Z. Also called: CHARCOT-MARIE-TOOTH DISEASE, AXONAL, AUTOSOMAL DOMINANT, TYPE 2Z; CHARCOT-MARIE-TOOTH NEUROPATHY, TYPE 2Z. Identifiers: Orphanet 466768, MedGen C5569025, MONDO:0014736, OMIM 616688.

Allele frequency attached by ClinVar (database versions not stated): gnomAD exomes below 0.00001; TOPMed below 0.00001.
gnomAD v4.1: 1 of 1,614,072 alleles (0.000062%); highest among the groups gnomAD compares: East Asian, 0.0022%; no homozygotes.

Submission:

Labcorp Genetics (formerly Invitae), Labcorp
Classification: Uncertain significance for Charcot-Marie-Tooth disease axonal type 2Z. Last evaluated: 2022-03-13. Review status: criteria provided, single submitter. Criteria: Invitae Variant Classification Sherloc (09022015). Collection method: clinical testing. Allele origin: germline.
Comment: This variant is present in population databases (no rsID available, gnomAD 0.006%). This sequence change replaces asparagine, which is neutral and polar, with serine, which is neutral and polar, at codon 938 of the MORC2 protein (p.Asn938Ser). In summary, the available evidence is currently insufficient to determine the role of this variant in disease. Therefore, it has been classified as a Variant of Uncertain Significance. Advanced modeling of protein sequence and biophysical properties (such as structural, functional, and spatial information, amino acid conservation, physicochemical variation, residue mobility, and thermodynamic stability) performed at Invitae indicates that this missense variant is not expected to disrupt MORC2 protein function. This variant has not been reported in the literature in individuals affected with MORC2-related conditions.